The following is an entry in ClinVar:

ClinVar aggregate classification (germline): Uncertain significance (1 of 4 stars; one submission).

Submission:

Labcorp Genetics (formerly Invitae), Labcorp
Classification: Uncertain significance. Last evaluated: 2024-01-29. Review status: criteria provided, single submitter. Criteria: Invitae Variant Classification Sherloc (09022015). Collection method: clinical testing. Allele origin: germline.
Comment: This sequence change creates a premature translational stop signal (p.Leu430Serfs*35) in the PODXL gene. While this is not anticipated to result in nonsense mediated decay, it is expected to disrupt the last 97 amino acid(s) of the PODXL protein. This variant is not present in population databases (gnomAD no frequency). This variant has not been reported in the literature in individuals affected with PODXL-related conditions. Experimental studies and prediction algorithms are not available or were not evaluated, and the functional significance of this variant is currently unknown. In summary, the available evidence is currently insufficient to determine the role of this variant in disease. Therefore, it has been classified as a Variant of Uncertain Significance.

NM_001018111.3(PODXL):c.1384del (p.Leu462fs)

Gene: PODXL (podocalyxin like; minus strand). Cytogenetic location: 7q32.3.
Variant type: Deletion.
Coding change: c.1384del on transcript NM_001018111.3 (MANE Select); coding-DNA position 1384, one base deleted (C; older notation c.1384delC).
Protein change: p.Leu462fs; shifts the reading frame from leucine 462.
Molecular consequence: frameshift variant.
Genome position (GRCh38, 1-based): chr7:131,505,963, G deleted on the plus strand (C on the coding strand, the reverse complement: PODXL is on the minus strand); the first of 4 consecutive G bases (chr7:131,505,963-131,505,966); deleting any one gives the same sequence. VCF-style (leftmost placement, unchanged base first): chr7-131505962-AG-A. GRCh37 (hg19) VCF-style: chr7-131190721-AG-A.
Other names: c.1288del, p.Leu430fs (NM_005397.4); short protein forms L430fs, L462fs.
Identifiers: ClinVar variation 2714012 (VCV002714012.3), dbSNP rs2485266000, ClinGen allele CA2697557630.
Genomic context (GRCh38, chr7:131,505,962, plus strand): 5'-CAGCCATAGAGGGCCGCCACGAGGAGCAGGAATGATGCCATGCAGACGATGGTGATGATG[AG>A]GGGCATGCTGAAGCGGTCCTCGGCCTCCTCCGGTGGCCCCTGGTCCCCTAGCTTCATGTC-3'